The following is an entry in ClinVar:

ClinVar aggregate classification (germline): Uncertain significance. Review status: criteria provided, multiple submitters, no conflicts (2 of 4 stars). 3 submissions from 3 submitters: Uncertain significance (3). Last evaluated 2026-07-07.

Conditions:
Familial adenomatous polyposis 3. Also called: NTHL1-associated polyposis; NTHL1-Related Adenomatous Polyposis and Colorectal Cancer; NTHL1-related attenuated familial adenomatous polyposis; NTHL1 Tumor Syndrome. Identifiers: Orphanet 220460, Orphanet 454840, MedGen C4225157, MONDO:0014630, OMIM 616415.
Hereditary cancer-predisposing syndrome. Also called: Hereditary neoplastic syndrome; Neoplastic Syndromes, Hereditary; Tumor predisposition; Hereditary Cancer Syndrome. Identifiers: Orphanet 140162, MedGen C0027672, MeSH D009386, MONDO:0015356.

gnomAD v4.1: 1 of 1,612,200 alleles (0.000062%); highest among the groups gnomAD compares: Non-Finnish European, 0.000085%; no homozygotes.

Submissions (3):

Ambry Genetics
Classification: Uncertain significance for Hereditary cancer-predisposing syndrome. Last evaluated: 2026-07-07. Review status: criteria provided, single submitter. Criteria: Ambry Variant Classification Scheme 2023. Collection method: clinical testing. Allele origin: germline.
Comment: The p.I195V variant (also known as c.583A>G), located in coding exon 4 of the NTHL1 gene, results from an A to G substitution at nucleotide position 583. The isoleucine at codon 195 is replaced by valine, an amino acid with highly similar properties. This amino acid position is conserved. In addition, this alteration is predicted to be tolerated by in silico analysis. Based on the available evidence, the clinical significance of this variant remains unclear.

Labcorp Genetics (formerly Invitae), Labcorp
Classification: Uncertain significance. Last evaluated: 2024-07-09. Review status: criteria provided, single submitter. Criteria: Invitae Variant Classification Sherloc (09022015). Collection method: clinical testing. Allele origin: germline.
Comment: This sequence change replaces isoleucine, which is neutral and non-polar, with valine, which is neutral and non-polar, at codon 195 of the NTHL1 protein (p.Ile195Val). This variant is not present in population databases (gnomAD no frequency). This variant has not been reported in the literature in individuals affected with NTHL1-related conditions. ClinVar contains an entry for this variant (Variation ID: 1971628). An algorithm developed to predict the effect of missense changes on protein structure and function (PolyPhen-2) suggests that this variant is likely to be tolerated. In summary, the available evidence is currently insufficient to determine the role of this variant in disease. Therefore, it has been classified as a Variant of Uncertain Significance.

Baylor Genetics
Classification: Uncertain significance for Familial adenomatous polyposis 3. Last evaluated: 2024-03-17. Review status: criteria provided, single submitter. Criteria: ACMG Guidelines, 2015. Collection method: clinical testing. Allele origin: unknown.

NM_002528.7(NTHL1):c.559A>G (p.Ile187Val)

Gene: NTHL1 (nth like DNA glycosylase 1; minus strand). Cytogenetic location: 16p13.3.
Variant type: single nucleotide variant.
Coding change: c.559A>G on transcript NM_002528.7 (MANE Select); coding-DNA position 559, A replaced by G.
Protein change: p.Ile187Val; replaces isoleucine 187 with valine.
Molecular consequence: missense variant.
Genome position (GRCh38, 1-based): chr16:2,043,693, T>C on the plus strand (A>G on the coding strand, the complement: NTHL1 is on the minus strand). VCF-style: chr16-2043693-T-C. GRCh37 (hg19) VCF-style: chr16-2093694-T-C.
Other names: c.583A>G (NM_002528.5); c.388A>G, p.Ile130Val (NM_001318193.2); c.229A>G, p.Ile77Val (NM_001318194.2); short protein forms I130V, I187V, I77V.
Identifiers: ClinVar variation 1971628 (VCV001971628.7), dbSNP rs2084300719, ClinGen allele CA394292217.